The following is an entry in ClinVar:

ClinVar aggregate classification (germline): Uncertain significance (1 of 4 stars; one submission).

gnomAD v4.1: 18 of 1,608,820 alleles (0.0011%); highest among the groups gnomAD compares: East Asian, 0.0045%; no homozygotes.

Submission:

Labcorp Genetics (formerly Invitae), Labcorp
Classification: Uncertain significance. Last evaluated: 2024-10-16. Review status: criteria provided, single submitter. Criteria: Invitae Variant Classification Sherloc (09022015). Collection method: clinical testing. Allele origin: germline.
Comment: This sequence change replaces aspartic acid, which is acidic and polar, with asparagine, which is neutral and polar, at codon 1016 of the SLC4A4 protein (p.Asp1016Asn). This variant is present in population databases (no rsID available, gnomAD 0.006%). This variant has not been reported in the literature in individuals affected with SLC4A4-related conditions. An algorithm developed to predict the effect of missense changes on protein structure and function (PolyPhen-2) suggests that this variant is likely to be tolerated. In summary, the available evidence is currently insufficient to determine the role of this variant in disease. Therefore, it has been classified as a Variant of Uncertain Significance.

NM_001098484.3(SLC4A4):c.3178G>A (p.Asp1060Asn)

Gene: SLC4A4 (solute carrier family 4 member 4; plus strand). Cytogenetic location: 4q13.3.
Variant type: single nucleotide variant.
Coding change: c.3178G>A on transcript NM_001098484.3 (MANE Select); coding-DNA position 3178, G replaced by A.
Protein change: p.Asp1060Asn; replaces aspartic acid 1060 with asparagine.
Molecular consequence: missense variant. On other transcripts: intron variant (1).
Genome position (GRCh38, 1-based): chr4:71,563,871, G>A. VCF-style: chr4-71563871-G-A. GRCh37 (hg19) VCF-style: chr4-72429588-G-A.
Other names: c.3046G>A, p.Asp1016Asn (NM_003759.4); c.3100-3133G>A (NM_001134742.2); short protein forms D1016N, D1060N.
Identifiers: ClinVar variation 3606118 (VCV003606118.2).